The following is an entry in ClinVar:

ClinVar aggregate classification (germline): Uncertain significance. Review status: criteria provided, multiple submitters, no conflicts (2 of 4 stars). 2 submissions from 2 submitters: Uncertain significance (2). Last evaluated 2025-03-23.

Allele frequency attached by ClinVar (database versions not stated): gnomAD exomes below 0.00001.

Submissions (2):

Labcorp Genetics (formerly Invitae), Labcorp
Classification: Uncertain significance. Last evaluated: 2025-03-23. Review status: criteria provided, single submitter. Criteria: Invitae Variant Classification Sherloc (09022015). Collection method: clinical testing. Allele origin: germline.
Comment: This sequence change falls in intron 12 of the LZTR1 gene. It does not directly change the encoded amino acid sequence of the LZTR1 protein. This variant is present in population databases (no rsID available, gnomAD 0.0009%). This variant has not been reported in the literature in individuals affected with LZTR1-related conditions. ClinVar contains an entry for this variant (Variation ID: 2917396). Algorithms developed to predict the effect of sequence changes on RNA splicing suggest that this variant may disrupt the consensus splice site. In summary, the available evidence is currently insufficient to determine the role of this variant in disease. Therefore, it has been classified as a Variant of Uncertain Significance.

GeneDx
Classification: Uncertain significance. Last evaluated: 2024-03-05. Review status: criteria provided, single submitter. Criteria: GeneDx Variant Classification Process June 2021. Collection method: clinical testing. Allele origin: germline. Affected: yes.
Comment: Not observed at significant frequency in large population cohorts (gnomAD); Has not been previously published as pathogenic or benign to our knowledge; In silico analysis is inconclusive as to whether the variant alters gene splicing. In the absence of RNA/functional studies, the actual effect of this sequence change is unknown.

NM_006767.4(LZTR1):c.1354-13_1354-11del

Gene: LZTR1 (leucine zipper like post translational regulator 1; plus strand). Cytogenetic location: 22q11.21.
Variant type: Deletion.
Coding change: c.1354-13_1354-11del on transcript NM_006767.4 (MANE Select); 13 bases into the intron before coding-DNA position 1354 through 11 bases into the intron before coding-DNA position 1354, 3 bases deleted (ATT; older notation c.1354-13_1354-11delATT).
Molecular consequence: intron variant.
Genome position (GRCh38, 1-based): chr22:20,993,911-20,993,913, ATT deleted. VCF-style (leftmost placement, unchanged base first): chr22-20993910-CATT-C. GRCh37 (hg19) VCF-style: chr22-21348199-CATT-C.
Identifiers: ClinVar variation 2917396 (VCV002917396.4), dbSNP rs1272168008, ClinGen allele CA638942814.
Genomic context (GRCh38, chr22:20,993,910, plus strand): 5'-CCTTGGCTGGCTGGGTCTCTGTTCTCTGGGGCGAGGGTCCTGTGCCCTCTGCCAGTGCAT[CATT>C]CTTTGTGCAGAAGGAGGAGTGCGTGCAGGGCCACGTAGCCATTGTCACAGCGCGGAGCCG-3'